The following is an entry in ClinVar:

NM_002474.3(MYH11):c.1960G>A (p.Gly654Arg)

Gene: MYH11 (myosin heavy chain 11; minus strand). Cytogenetic location: 16p13.11.
Variant type: single nucleotide variant.
Coding change: c.1960G>A on transcript NM_002474.3 (MANE Select); coding-DNA position 1960, G replaced by A.
Protein change: p.Gly654Arg; replaces glycine 654 with arginine.
Molecular consequence: missense variant.
Genome position (GRCh38, 1-based): chr16:15,750,236, C>T on the plus strand (G>A on the coding strand, the complement: MYH11 is on the minus strand). VCF-style: chr16-15750236-C-T. GRCh37 (hg19) VCF-style: chr16-15844093-C-T.
Other names: c.1981G>A, p.Gly661Arg (NM_001040113.2, NM_001040114.2); c.1960G>A, p.Gly654Arg (NM_022844.3); short protein forms G654R, G661R.
Identifiers: ClinVar variation 3663456 (VCV003663456.2).

ClinVar aggregate classification (germline): Uncertain significance (1 of 4 stars; one submission).

Conditions:
Aortic aneurysm, familial thoracic 4 (AAT4). Also called: AORTIC ANEURYSM/AORTIC DISSECTION AND PATENT DUCTUS ARTERIOSUS. Identifiers: MedGen C1851504, MONDO:0007568, OMIM 132900.

Submission:

Labcorp Genetics (formerly Invitae), Labcorp
Classification: Uncertain significance for Aortic aneurysm, familial thoracic 4. Last evaluated: 2024-08-27. Review status: criteria provided, single submitter. Criteria: Invitae Variant Classification Sherloc (09022015). Collection method: clinical testing. Allele origin: germline.
Comment: This sequence change replaces glycine, which is neutral and non-polar, with arginine, which is basic and polar, at codon 661 of the MYH11 protein (p.Gly661Arg). This variant is not present in population databases (gnomAD no frequency). This variant has not been reported in the literature in individuals affected with MYH11-related conditions. Invitae Evidence Modeling of protein sequence and biophysical properties (such as structural, functional, and spatial information, amino acid conservation, physicochemical variation, residue mobility, and thermodynamic stability) indicates that this missense variant is not expected to disrupt MYH11 protein function with a negative predictive value of 95%. In summary, the available evidence is currently insufficient to determine the role of this variant in disease. Therefore, it has been classified as a Variant of Uncertain Significance.